The following is an entry in ClinVar:

ClinVar aggregate classification (germline): Benign. Review status: reviewed by expert panel (3 of 4 stars). 3 submissions from 3 submitters: Benign (1). 2 of the submissions do not count toward it. Last evaluated 2019-11-04.

Conditions:
Noonan syndrome 5 (NS5). Also called: RAF1-Related Noonan Syndrome. Identifiers: Orphanet 648, MedGen C1969057, MONDO:0012690, OMIM 611553. Disease mechanism: gain of function.
Dilated cardiomyopathy 1NN. Identifiers: Orphanet 154, MedGen C4014656, MONDO:0014396, OMIM 615916.
LEOPARD syndrome 2 (LPRD2). Also called: RAF1-Related LEOPARD Syndrome. Identifiers: Orphanet 500, MedGen C1969056, MONDO:0012691, OMIM 611554.
RASopathy. Also called: rasopathies; Noonan spectrum disorder. Identifiers: Orphanet 536391, MedGen C5555857, MONDO:0021060.

Submissions (3):

ClinGen RASopathy Variant Curation Expert Panel
Classification: Benign for RASopathy. Last evaluated: 2019-11-04. Review status: reviewed by expert panel. Criteria: ClinGen RASopathy ACMG Specifications v1. Collection method: curation. Allele origin: germline. Inheritance: Autosomal dominant inheritance.
Comment: The c.-339_-338delAG variant in RAF1 is classified as benign because it has been identified in 0.33579% (95% CI of 63/15050) of non-Finnish European alleles in gnomAD (BA1). This variant is not located within the splice consensus sequence and computational splice site prediction tools do not predict an impact on splicing (BP4, BP7). This variant was identified in 4 individuals with Noonan syndrome who carried additional pathogenic variants in PTPN11 sufficient to explain their clinical presentations (BP5). ACMG/AMP Criteria applied: BA1, BP4, BP5, BP7.

Fulgent Genetics
Classification: Likely benign for Noonan syndrome 5; LEOPARD syndrome 2; Dilated cardiomyopathy 1NN. Last evaluated: 2021-11-08. Review status: criteria provided, single submitter. Criteria: ACMG Guidelines, 2015. Collection method: clinical testing. Allele origin: unknown. Not counted in ClinVar's aggregate classification.

Laboratory for Molecular Medicine, Mass General Brigham Personalized Medicine
Classification: Likely benign. Last evaluated: 2011-12-21. Review status: criteria provided, single submitter. Criteria: LMM Criteria. Collection method: clinical testing. Allele origin: germline. Observed: 18 variant alleles. Not counted in ClinVar's aggregate classification.
Comment: This variant occurs in the non -coding first exon of the gene. No variants in this region of RAF1 have been sho wn to be pathogenic to date. Therefore, this variant is not expected to have cli nical or pathological significance.

NM_002880.3(RAF1):c.-340_-339GA[1]

Gene: RAF1 (Raf-1 proto-oncogene, serine/threonine kinase; minus strand). Cytogenetic location: 3p25.2.
Variant type: Microsatellite.
Coding change: c.-340_-339GA[1] on transcript NM_002880.3.
Genome position: GRCh38 VCF-style: chr3-12664121-ACT-A. GRCh37 (hg19) VCF-style: chr3-12705620-ACT-A.
Other names: c.-339_-338AG[1] (NM_002880.3); c.-337_-336delAG (NM_002880.3); c.-337_-336del (NM_002880.3).
Identifiers: ClinVar variation 40573 (VCV000040573.13), dbSNP rs527774250, ClinGen allele CA177689.
Genomic context (GRCh38, chr3:12,664,121, plus strand): 5'-ACAATCGTTTTCCTCTTACTCCCGCCATCTAAGATGGCGGCCCAAGCGCCCGCGATTAAG[ACT>A]CTCGGGCGGCCCAGACGAGCGAGCCCTCGACTCGGTGCTCGTCCTCCCGACCTGCGACGC-3'